The following is an entry in ClinVar:

ClinVar aggregate classification (germline): Uncertain significance (1 of 4 stars; one submission).

Conditions:
Joubert syndrome. Also called: CEREBELLOPARENCHYMAL DISORDER IV; JOUBERT-BOLTSHAUSER SYNDROME; Familial aplasia of the vermis. Identifiers: Orphanet 475, MedGen C5979921, MONDO:0018772.
Meckel-Gruber syndrome. Also called: DYSENCEPHALIA SPLANCHNOCYSTICA; GRUBER SYNDROME; Dysencephalia splachnocystica. Identifiers: Orphanet 564, MedGen C0265215, MONDO:0018921.

Allele frequency attached by ClinVar (database versions not stated): gnomAD exomes below 0.00001; ExAC 0.00001; TOPMed 0.00001.

Submission:

Labcorp Genetics (formerly Invitae), Labcorp
Classification: Uncertain significance for Joubert syndrome; Meckel-Gruber syndrome. Last evaluated: 2023-12-17. Review status: criteria provided, single submitter. Criteria: Invitae Variant Classification Sherloc (09022015). Collection method: clinical testing. Allele origin: germline.
Comment: This sequence change replaces isoleucine, which is neutral and non-polar, with valine, which is neutral and non-polar, at codon 387 of the TMEM67 protein (p.Ile387Val). This variant is present in population databases (rs766513364, gnomAD 0.0009%). This variant has not been reported in the literature in individuals affected with TMEM67-related conditions. Advanced modeling of protein sequence and biophysical properties (such as structural, functional, and spatial information, amino acid conservation, physicochemical variation, residue mobility, and thermodynamic stability) performed at Invitae indicates that this missense variant is not expected to disrupt TMEM67 protein function with a negative predictive value of 95%. In summary, the available evidence is currently insufficient to determine the role of this variant in disease. Therefore, it has been classified as a Variant of Uncertain Significance.

NM_153704.6(TMEM67):c.1159A>G (p.Ile387Val)

Gene: TMEM67 (transmembrane protein 67; plus strand). Cytogenetic location: 8q22.1.
Variant type: single nucleotide variant.
Coding change: c.1159A>G on transcript NM_153704.6 (MANE Select); coding-DNA position 1159, A replaced by G.
Protein change: p.Ile387Val; replaces isoleucine 387 with valine.
Molecular consequence: missense variant. On other transcripts: non-coding transcript variant (1).
Genome position (GRCh38, 1-based): chr8:93,785,249, A>G. VCF-style: chr8-93785249-A-G. GRCh37 (hg19) VCF-style: chr8-94797477-A-G.
Other names: c.916A>G, p.Ile306Val (NM_001142301.1); short protein forms I387V, I306V.
Identifiers: ClinVar variation 2934042 (VCV002934042.3), dbSNP rs766513364, ClinGen allele CA4807895.
Genomic context (GRCh38, chr8:93,785,249, plus strand): 5'-TTATGTGCTTTTATTTTTAATTTTACTTTTCAGTGTGAGATTCCTATCTCTAAGATCTTA[A>G]TTGACTTTCCCACTCCTATATTTTATGATGTGTACCTTGAATATACTGATGAAAATCAAC-3'
Protein context (NP_714915.3, residues 377-397): NCEIPISKIL[Ile387Val]DFPTPIFYDV